The following is an entry in ClinVar:

ClinVar aggregate classification (germline): Likely pathogenic (1 of 4 stars; one submission).

Conditions:
Retinitis pigmentosa 54 (RP54). Identifiers: Orphanet 791, MedGen C3150691, MONDO:0013263, OMIM 613428.

Submission:

Ocular Genomics Institute, Massachusetts Eye and Ear
Classification: Likely pathogenic for Retinitis pigmentosa 54. Last evaluated: 2021-04-08. Review status: criteria provided, single submitter. Criteria: ACMG Guidelines, 2015. Collection method: research. Allele origin: germline. Affected: yes.
Comment: Through a review of available evidence we were able to apply the following criteria: PVS1, PM2. Based on this evidence we have classified this variant as Likely Pathogenic.

NM_001029883.3(PCARE):c.1663del (p.Val555fs)

Gene: PCARE (photoreceptor cilium actin regulator; minus strand). Cytogenetic location: 2p23.2.
Variant type: Deletion.
Coding change: c.1663del on transcript NM_001029883.3 (MANE Select); coding-DNA position 1663, one base deleted (G; older notation c.1663delG).
Protein change: p.Val555fs; shifts the reading frame from valine 555.
Molecular consequence: frameshift variant.
Genome position (GRCh38, 1-based): chr2:29,072,599, C deleted on the plus strand (G on the coding strand, the reverse complement: PCARE is on the minus strand). VCF-style (leftmost placement, unchanged base first): chr2-29072598-AC-A. GRCh37 (hg19) VCF-style: chr2-29295464-AC-A.
Other names: short protein forms V555fs.
Identifiers: ClinVar variation 1065771 (VCV001065771.1), dbSNP rs2148416150, ClinGen allele CA2499215857.